The following is an entry in ClinVar:

NM_002887.4(RARS1):c.1873+30_1873+33del

Gene: RARS1 (arginyl-tRNA synthetase 1; plus strand). Cytogenetic location: 5q34.
Variant type: Deletion.
Coding change: c.1873+30_1873+33del on transcript NM_002887.4 (MANE Select); bases 30 to 33 of the intron after coding-DNA position 1873, 4 bases deleted (TTTT; older notation c.1873+30_1873+33delTTTT).
Molecular consequence: intron variant.
Genome position (GRCh38, 1-based): chr5:168,518,092-168,518,095, TTTT deleted; deleting any 4 consecutive bases within chr5:168,518,072-168,518,095 gives the same sequence; the c. name uses the placement nearest the transcript's 3' end. VCF-style (leftmost placement, unchanged base first): chr5-168518071-CTTTT-C. GRCh37 (hg19) VCF-style: chr5-167945076-CTTTT-C.
Other names: p.?.
Identifiers: ClinVar variation 4684883 (VCV004684883.2).

ClinVar aggregate classification (germline): Likely benign. Review status: criteria provided, multiple submitters, no conflicts (2 of 4 stars). 2 submissions from 2 submitters: Likely benign (2). Last evaluated 2025-07-10.

Submissions (2):

Mayo Clinic Laboratories, Mayo Clinic
Classification: Likely benign. Last evaluated: 2025-07-10. Review status: criteria provided, single submitter. Criteria: ACMG Guidelines, 2015. Collection method: clinical testing. Allele origin: germline. Observed: 11 variant alleles.
Comment: BP4, BP7

Blueprint Genetics
Classification: Likely benign. Last evaluated: 2024-11-22. Review status: criteria provided, single submitter. Criteria: ACMG Guidelines, 2015. Collection method: clinical testing. Allele origin: germline.